The following is an entry in ClinVar:

ClinVar aggregate classification (germline): Likely benign (1 of 4 stars; one submission).

Allele frequency attached by ClinVar (database versions not stated): gnomAD 0.00001; gnomAD exomes 0.00001; ExAC 0.00002; TOPMed 0.00002.
gnomAD v4.1: 17 of 1,210,344 alleles (0.0014%); highest among the groups gnomAD compares: Middle Eastern, 0.046%; no homozygotes.

Submission:

CeGaT Center for Human Genetics Tuebingen
Classification: Likely benign. Last evaluated: 2022-07-01. Review status: criteria provided, single submitter. Criteria: CeGaT Center For Human Genetics Tuebingen Variant Classification Criteria Version 2. Collection method: clinical testing. Allele origin: germline. Affected: yes. Observed: 1 variant allele.
Comment: MAMLD1: BP4, BP7

NM_005491.5(MAMLD1):c.909C>T (p.His303=)

Gene: MAMLD1 (mastermind like domain containing 1; plus strand). Cytogenetic location: Xq28.
Variant type: single nucleotide variant.
Coding change: c.909C>T on transcript NM_005491.5 (MANE Select); coding-DNA position 909, C replaced by T.
Protein change: p.His303=; no amino-acid change (histidine 303 retained).
Molecular consequence: synonymous variant.
Genome position (GRCh38, 1-based): chrX:150,470,482, C>T. VCF-style: chrX-150470482-C-T. GRCh37 (hg19) VCF-style: chrX-149638754-C-T.
Other names: c.834C>T, p.His278= (NM_001177465.3, NM_001177466.3, NM_001400514.1); c.909C>T, p.His303= (NM_001400512.1, NM_001400513.1, NM_001400515.1).
Identifiers: ClinVar variation 2661630 (VCV002661630.24), dbSNP rs782497106, ClinGen allele CA10538721.